The following is an entry in ClinVar:

ClinVar aggregate classification (germline): Uncertain significance (1 of 4 stars; one submission).

Submission:

Ambry Genetics
Classification: Uncertain significance. Last evaluated: 2022-03-30. Review status: criteria provided, single submitter. Criteria: Ambry Variant Classification Scheme 2023. Collection method: clinical testing. Allele origin: germline.
Comment: The p.P1070L variant (also known as c.3209C>T), located in coding exon 27 of the PRKDC gene, results from a C to T substitution at nucleotide position 3209. The proline at codon 1070 is replaced by leucine, an amino acid with similar properties. This amino acid position is conserved. In addition, this alteration is predicted to be deleterious by in silico analysis. Since supporting evidence is limited at this time, the clinical significance of this alteration remains unclear.

NM_006904.7(PRKDC):c.3209C>T (p.Pro1070Leu)

Gene: PRKDC (protein kinase, DNA-activated, catalytic subunit; minus strand). Cytogenetic location: 8q11.21.
Variant type: single nucleotide variant.
Coding change: c.3209C>T on transcript NM_006904.7 (MANE Select); coding-DNA position 3209, C replaced by T.
Protein change: p.Pro1070Leu; replaces proline 1070 with leucine.
Molecular consequence: missense variant.
Genome position (GRCh38, 1-based): chr8:47,902,629, G>A on the plus strand (C>T on the coding strand, the complement: PRKDC is on the minus strand). VCF-style: chr8-47902629-G-A. GRCh37 (hg19) VCF-style: chr8-48815189-G-A.
Other names: c.3209C>T, p.Pro1070Leu (NM_001081640.2); short protein forms P1070L.
Identifiers: ClinVar variation 1728890 (VCV001728890.2), dbSNP rs2551875554, ClinGen allele CA371156662.